The following is an entry in ClinVar:

ClinVar aggregate classification (germline): Uncertain significance (1 of 4 stars; one submission).

Conditions:
Cardiovascular phenotype. Identifiers: MedGen CN230736.

gnomAD v4.1: 1 of 1,608,378 alleles (0.000062%); highest among the groups gnomAD compares: African/African-American, 0.0013%; no homozygotes.

Submission:

Ambry Genetics
Classification: Uncertain significance for Cardiovascular phenotype. Last evaluated: 2026-08-14. Review status: criteria provided, single submitter. Criteria: Ambry Variant Classification Scheme 2023. Collection method: clinical testing. Allele origin: germline.
Comment: The p.K1561N variant (also known as c.4683G>C), located in coding exon 35 of the RYR2 gene, results from a G to C substitution at nucleotide position 4683. The amino acid change results in lysine to asparagine at codon 1561, an amino acid with similar properties. However, this change occurs in the last base pair of coding exon 35, which makes it likely to have some effect on normal mRNA splicing. This nucleotide position is highly conserved in available vertebrate species. This amino acid position is highly conserved in available vertebrate species. In silico splice site analysis predicts that this alteration will weaken the native splice donor site and will result in the creation or strengthening of a novel splice donor site. In addition, as a missense substitution, the in silico prediction for this alteration is inconclusive. Based on the available evidence, the clinical significance of this variant remains unclear.

NM_001035.3(RYR2):c.4683G>C (p.Lys1561Asn)

Gene: RYR2 (ryanodine receptor 2; plus strand). Cytogenetic location: 1q43.
Variant type: single nucleotide variant.
Coding change: c.4683G>C on transcript NM_001035.3 (MANE Select); coding-DNA position 4683, G replaced by C.
Protein change: p.Lys1561Asn; replaces lysine 1561 with asparagine.
Molecular consequence: missense variant.
Genome position (GRCh38, 1-based): chr1:237,602,111, G>C. VCF-style: chr1-237602111-G-C. GRCh37 (hg19) VCF-style: chr1-237765411-G-C.
Other names: short protein forms K1561N.
Identifiers: ClinVar variation 5028695 (VCV005028695.1).